The following is an entry in ClinVar:

NM_001243133.2(NLRP3):c.1064A>G (p.Lys355Arg)

Gene: NLRP3 (NLR family pyrin domain containing 3; plus strand). Cytogenetic location: 1q44.
Variant type: single nucleotide variant.
Coding change: c.1064A>G on transcript NM_001243133.2 (MANE Select); coding-DNA position 1064, A replaced by G.
Protein change: p.Lys355Arg; replaces lysine 355 with arginine.
Molecular consequence: missense variant.
Genome position (GRCh38, 1-based): chr1:247,424,513, A>G. VCF-style: chr1-247424513-A-G. GRCh37 (hg19) VCF-style: chr1-247587815-A-G.
Other names: c.1064A>G, p.Lys355Arg (NM_001079821.3, NM_001127461.3, NM_001127462.3 and 1 more transcripts); c.1070A>G, p.Lys357Arg (NM_004895.5); short protein forms K357R, K355R.
Identifiers: ClinVar variation 234300 (VCV000234300.7), dbSNP rs876660972, ClinGen allele CA10577231.

ClinVar aggregate classification (germline): Conflicting classifications of pathogenicity. Review status: criteria provided, conflicting classifications (1 of 4 stars). 3 submissions from 3 submitters: Likely pathogenic (1); Uncertain significance (2). Last evaluated 2025-09-14.

Conditions:
Cryopyrin associated periodic syndrome (CAPS). Identifiers: Orphanet 208650, MedGen C2316212, MONDO:0016168.
Chronic infantile neurological, cutaneous and articular syndrome (CINCA). Also called: CHRONIC NEUROLOGIC CUTANEOUS AND ARTICULAR SYNDROME; CINCA syndrome; Prieur Griscelli syndrome; CRYOPYRIN-ASSOCIATED PERIODIC SYNDROME 3. Identifiers: Orphanet 1451, MedGen C0409818, MONDO:0011776, OMIM 607115.

Submissions (3):

Victorian Clinical Genetics Services, Murdoch Childrens Research Institute
Classification: Likely pathogenic for Chronic infantile neurological, cutaneous and articular syndrome. Last evaluated: 2025-09-14. Review status: criteria provided, single submitter. Criteria: ACMG Guidelines, 2015. Collection method: clinical testing. Allele origin: germline. Affected: yes.
Comment: This variant is classified as Likely pathogenic. Evidence in support of pathogenic classification: Variant is absent from gnomAD (v2, v3 and v4); Additional information: Variant is predicted to result in a missense amino acid change from Lys to Arg; This variant is heterozygous; This gene is associated with autosomal dominant disease; Previous evidence of pathogenicity for this variant is inconclusive. This variant has been classified as a VUS by clinical laboratories in ClinVar; No published evidence of segregation with disease has been identified for this variant; No comparable missense variants have previous evidence for pathogenicity; however, two alternative amino acid substitutions at the same position with higher Grantham scores have been reported. p.(Lys355Asn) has been classified as pathogenic by a clinical laboratory in ClinVar, and reported in the literature in a CINCA syndrome patient with somatic mosaicism. p.(Lys355Thr) has been reported in a Muckle-Wells syndrome patient with somatic mosaicism (PMIDs: 21702021, 24326009); Variant is located in the annotated NACHT domain (NCBI); Missense variant with inconclusive in silico prediction and uninformative conservation; Gain of function is a known mechanism of disease (PMID: 30069026).

Labcorp Genetics (formerly Invitae), Labcorp
Classification: Uncertain significance for Cryopyrin associated periodic syndrome. Last evaluated: 2023-02-22. Review status: criteria provided, single submitter. Criteria: Invitae Variant Classification Sherloc (09022015). Collection method: clinical testing. Allele origin: germline.
Comment: Advanced modeling of protein sequence and biophysical properties (such as structural, functional, and spatial information, amino acid conservation, physicochemical variation, residue mobility, and thermodynamic stability) has been performed at Invitae for this missense variant, however the output from this modeling did not meet the statistical confidence thresholds required to predict the impact of this variant on NLRP3 protein function. In summary, the available evidence is currently insufficient to determine the role of this variant in disease. Therefore, it has been classified as a Variant of Uncertain Significance. ClinVar contains an entry for this variant (Variation ID: 234300). This variant has not been reported in the literature in individuals affected with NLRP3-related conditions. This variant is not present in population databases (gnomAD no frequency). This sequence change replaces lysine, which is basic and polar, with arginine, which is basic and polar, at codon 357 of the NLRP3 protein (p.Lys357Arg).

GeneDx
Classification: Uncertain significance. Last evaluated: 2014-07-17. Review status: criteria provided, single submitter. Criteria: GeneDx Variant Classification (06012015). Collection method: clinical testing. Allele origin: germline. Affected: yes.
Comment: The K357R variant has not been published as a mutation, nor has it been reported as a benign polymorphism to our knowledge. The K357R variant was not observed in approximately 6,500 individuals of European and African American ancestry in the NHLBI Exome Sequencing Project, indicating it is not a common benign variant in these populations. The K357R variant is a conservative amino acid substitution, which is not likely to impact secondary protein structure as these residues share similar properties. This substitution occurs at a position that is conserved across mammalian vertebrates. In silico analysis is inconsistent in its predictions as to whether or not the variant is damaging to the protein structure/function. Missense mutations in nearby residues (A354V, L355P, E356D, H360R) have been reported in the Human Gene Mutation Database in association with Muckle-Wells syndrome, familial cold autoinflammatory syndrome, and CINCA syndrome (Stenson et al., 2009), supporting the functional importance of this region of the protein. Therefore, based on the currently available information, it is unclear whether this variant is a pathogenic mutation or a rare benign variant.

Literature cited by the submitters: PubMed 21702021 (cited by Victorian Clinical Genetics Services, Murdoch Childrens Research Institute); PubMed 24326009 (cited by Victorian Clinical Genetics Services, Murdoch Childrens Research Institute); PubMed 30069026 (cited by Victorian Clinical Genetics Services, Murdoch Childrens Research Institute).